The following is an entry in ClinVar:

NM_001367624.2(ZNF469):c.1867A>G (p.Ser623Gly)

Gene: ZNF469 (zinc finger protein 469; plus strand). Cytogenetic location: 16q24.2.
Variant type: single nucleotide variant.
Coding change: c.1867A>G on transcript NM_001367624.2 (MANE Select); coding-DNA position 1867, A replaced by G.
Protein change: p.Ser623Gly; replaces serine 623 with glycine.
Molecular consequence: missense variant.
Genome position (GRCh38, 1-based): chr16:88,429,337, A>G. VCF-style: chr16-88429337-A-G. GRCh37 (hg19) VCF-style: chr16-88495745-A-G.
Other names: NM_001127464.1:c.1867A>G; short protein forms S623G.
Identifiers: ClinVar variation 1781595 (VCV001781595.2), dbSNP rs2507576391, ClinGen allele CA397068981.
Genomic context (GRCh38, chr16:88,429,337, plus strand): 5'-AGCACCTGCTCTTCCCTGTCGCCGATGTCCAGCAGCCCAGCCAACCCCAGCTCAGAGGAA[A>G]GCCAGCTCCCCGGCCCCCTCGGGCCCTCGGCCTTCTTCCACCCACCCACTCACCCCCAGG-3'
Protein context (NP_001354553.1, residues 613-633): SSPANPSSEE[Ser623Gly]QLPGPLGPSA

ClinVar aggregate classification (germline): Uncertain significance (1 of 4 stars; one submission).

Conditions:
Cardiovascular phenotype. Identifiers: MedGen CN230736.

Submission:

Ambry Genetics
Classification: Uncertain significance for Cardiovascular phenotype. Last evaluated: 2022-05-30. Review status: criteria provided, single submitter. Criteria: Ambry Variant Classification Scheme 2023. Collection method: clinical testing. Allele origin: germline.
Comment: The p.S623G variant (also known as c.1867A>G), located in coding exon 1 of the ZNF469 gene, results from an A to G substitution at nucleotide position 1867. The serine at codon 623 is replaced by glycine, an amino acid with similar properties. This amino acid position is conserved. In addition, this alteration is predicted to be tolerated by in silico analysis. Since supporting evidence is limited at this time, the clinical significance of this alteration remains unclear.